The following is an entry in ClinVar:

NM_001134407.3(GRIN2A):c.3457G>T (p.Asp1153Tyr)

Gene: GRIN2A (glutamate ionotropic receptor NMDA type subunit 2A; minus strand). Cytogenetic location: 16p13.2.
Variant type: single nucleotide variant.
Coding change: c.3457G>T on transcript NM_001134407.3 (MANE Select); coding-DNA position 3457, G replaced by T.
Protein change: p.Asp1153Tyr; replaces aspartic acid 1153 with tyrosine.
Molecular consequence: missense variant.
Genome position (GRCh38, 1-based): chr16:9,764,087, C>A on the plus strand (G>T on the coding strand, the complement: GRIN2A is on the minus strand). VCF-style: chr16-9764087-C-A. GRCh37 (hg19) VCF-style: chr16-9857944-C-A.
Other names: c.3457G>T, p.Asp1153Tyr (NM_000833.5, NM_001134408.2); short protein forms D1153Y.
Identifiers: ClinVar variation 957981 (VCV000957981.11), dbSNP rs267604687, ClinGen allele CA394707714.
Genomic context (GRCh38, chr16:9,764,087, plus strand): 5'-GCAAGGGGTTCCGGTTCATTGGCAGCGTGGAGTCCCCCTTGCGGAAGTTTTCACTGGGAT[C>A]CTGGTAGGGGTCCGGGAAGTCCACGTTCTCGGGCAGGGTCACATTTTCAACAAACTGGGG-3'
Protein context (NP_001127879.1, residues 1143-1163): ENVDFPDPYQ[Asp1153Tyr]PSENFRKGDS

ClinVar aggregate classification (germline): Uncertain significance. Review status: criteria provided, multiple submitters, no conflicts (2 of 4 stars). 2 submissions from 2 submitters: Uncertain significance (2). Last evaluated 2024-02-17.

Conditions:
Landau-Kleffner syndrome (FESD). Also called: EPILEPSY, FOCAL, WITH SPEECH DISORDER AND WITH OR WITHOUT MENTAL RETARDATION; APHASIA, ACQUIRED, WITH EPILEPSY. Identifiers: Orphanet 1945, Orphanet 725, Orphanet 98818, MedGen C0282512, MONDO:0009509, OMIM 245570.

Submissions (2):

Labcorp Genetics (formerly Invitae), Labcorp
Classification: Uncertain significance for Landau-Kleffner syndrome. Last evaluated: 2024-02-17. Review status: criteria provided, single submitter. Criteria: Invitae Variant Classification Sherloc (09022015). Collection method: clinical testing. Allele origin: germline.
Comment: This sequence change replaces aspartic acid, which is acidic and polar, with tyrosine, which is neutral and polar, at codon 1153 of the GRIN2A protein (p.Asp1153Tyr). This variant is not present in population databases (gnomAD no frequency). This variant has not been reported in the literature in individuals affected with GRIN2A-related conditions. ClinVar contains an entry for this variant (Variation ID: 957981). Advanced modeling of protein sequence and biophysical properties (such as structural, functional, and spatial information, amino acid conservation, physicochemical variation, residue mobility, and thermodynamic stability) performed at Invitae indicates that this missense variant is not expected to disrupt GRIN2A protein function with a negative predictive value of 95%. In summary, the available evidence is currently insufficient to determine the role of this variant in disease. Therefore, it has been classified as a Variant of Uncertain Significance.

Blueprint Genetics
Classification: Uncertain significance. Last evaluated: 2019-08-06. Review status: criteria provided, single submitter. Criteria: ACMG Guidelines, 2015. Collection method: clinical testing. Allele origin: germline.